The following is an entry in ClinVar:

NM_005560.6(LAMA5):c.1818A>G (p.Leu606=)

Gene: LAMA5 (laminin subunit alpha 5; minus strand). Cytogenetic location: 20q13.33.
Variant type: single nucleotide variant.
Coding change: c.1818A>G on transcript NM_005560.6 (MANE Select); coding-DNA position 1818, A replaced by G.
Protein change: p.Leu606=; no amino-acid change (leucine 606 retained).
Molecular consequence: synonymous variant.
Genome position (GRCh38, 1-based): chr20:62,338,089, T>C on the plus strand (A>G on the coding strand, the complement: LAMA5 is on the minus strand). VCF-style: chr20-62338089-T-C. GRCh37 (hg19) VCF-style: chr20-60913145-T-C.
Identifiers: ClinVar variation 2048521 (VCV002048521.28), dbSNP rs74377908, ClinGen allele CA9943737.
Genomic context (GRCh38, chr20:62,338,089, plus strand): 5'-GAAACCATGGTAGCCAGGGCGGCACCGGTCACAATGAGGTCCAGCAAACTCAGGCTGGCA[T>C]AGGCAGCGGCCGGCCTCATCGCAGCCCTCGGGCAAGGTTCCTGCAGGGCTGCAGCCACAC-3'
Protein context (NP_005551.3, residues 596-616): PEGCDEAGRC[Leu606=]CQPEFAGPHC

ClinVar aggregate classification (germline): Benign/Likely benign. Review status: criteria provided, multiple submitters, no conflicts (2 of 4 stars). 3 submissions from 3 submitters: Benign (1); Likely benign (2). Last evaluated 2026-05-01.

Allele frequency attached by ClinVar (database versions not stated): ExAC 0.00108; gnomAD 0.00293; 1000 Genomes Project 0.00300; TOPMed 0.00340; ESP Exome Variant Server 0.00362; 1000 Genomes Project 30x 0.00453.

Submissions (3):

CeGaT Center for Human Genetics Tuebingen
Classification: Likely benign. Last evaluated: 2026-05-01. Review status: criteria provided, single submitter. Criteria: CeGaT Center For Human Genetics Tuebingen Variant Classification Criteria Version 2. Collection method: clinical testing. Allele origin: germline. Affected: yes. Observed: 3 variant alleles.
Comment: LAMA5: BP4, BP7, BS1

Labcorp Genetics (formerly Invitae), Labcorp
Classification: Benign. Last evaluated: 2025-12-25. Review status: criteria provided, single submitter. Criteria: Invitae Variant Classification Sherloc (09022015). Collection method: clinical testing. Allele origin: germline.

Blueprint Genetics
Classification: Likely benign. Last evaluated: 2024-11-06. Review status: criteria provided, single submitter. Criteria: ACMG Guidelines, 2015. Collection method: clinical testing. Allele origin: germline.